The following is an entry in ClinVar:

ClinVar aggregate classification (germline): Uncertain significance (1 of 4 stars; one submission).

Submission:

GeneDx
Classification: Uncertain significance. Last evaluated: 2025-08-13. Review status: criteria provided, single submitter. Criteria: GeneDx Variant Classification Process June 2021. Collection method: clinical testing. Allele origin: germline. Affected: yes.
Comment: Not observed at significant frequency in large population cohorts (gnomAD); In silico analysis is inconclusive as to whether the variant alters gene splicing. In the absence of RNA/functional studies, the actual effect of this sequence change is unknown.; Has not been previously published as pathogenic or benign to our knowledge

NM_013275.6(ANKRD11):c.892+5G>C

Gene: ANKRD11 (ankyrin repeat domain 11; minus strand). Cytogenetic location: 16q24.3.
Variant type: single nucleotide variant.
Coding change: c.892+5G>C on transcript NM_013275.6 (MANE Select); 5 bases into the intron after coding-DNA position 892, G replaced by C.
Molecular consequence: intron variant.
Genome position (GRCh38, 1-based): chr16:89,286,034, C>G on the plus strand (G>C on the coding strand, the complement: ANKRD11 is on the minus strand). VCF-style: chr16-89286034-C-G. GRCh37 (hg19) VCF-style: chr16-89352442-C-G.
Other names: c.892+5G>C (NM_001256183.2, NM_001256182.2).
Identifiers: ClinVar variation 4795586 (VCV004795586.1).
Genomic context (GRCh38, chr16:89,286,034, plus strand): 5'-CACCACAGGGCAGCTCCTACCATCCCTGCATAAAAGAACAGGCAGCTCAGGTGGCCGTGA[C>G]TTACCCGTCGAGCTCTCCTCGCTGGAAGTGTAAGTGCCTTTGCCTAACAGGAGGTTCACC-3'